The following is an entry in ClinVar:

ClinVar aggregate classification (germline): Uncertain significance. Review status: criteria provided, multiple submitters, no conflicts (2 of 4 stars). 2 submissions from 2 submitters: Uncertain significance (2). Last evaluated 2025-06-03.

Conditions:
Inborn genetic diseases. Identifiers: MedGen C0950123, MeSH D030342.

Allele frequency attached by ClinVar (database versions not stated): gnomAD exomes below 0.00001; gnomAD 0.00001.
gnomAD v4.1: 8 of 1,602,150 alleles (0.0005%); highest among the groups gnomAD compares: Non-Finnish European, 0.00068%; no homozygotes.

Submissions (2):

Labcorp Genetics (formerly Invitae), Labcorp
Classification: Uncertain significance. Last evaluated: 2025-06-03. Review status: criteria provided, single submitter. Criteria: Invitae Variant Classification Sherloc (09022015). Collection method: clinical testing. Allele origin: germline.
Comment: This sequence change replaces alanine, which is neutral and non-polar, with glycine, which is neutral and non-polar, at codon 4 of the USB1 protein (p.Ala4Gly). This variant is not present in population databases (gnomAD no frequency). This variant has not been reported in the literature in individuals affected with USB1-related conditions. ClinVar contains an entry for this variant (Variation ID: 1422881). An algorithm developed to predict the effect of missense changes on protein structure and function outputs the following: PolyPhen-2: "Benign". The glycine amino acid residue is found in multiple mammalian species, which suggests that this missense change does not adversely affect protein function. In summary, the available evidence is currently insufficient to determine the role of this variant in disease. Therefore, it has been classified as a Variant of Uncertain Significance.

Ambry Genetics
Classification: Uncertain significance for Inborn genetic diseases. Last evaluated: 2025-03-29. Review status: criteria provided, single submitter. Criteria: Ambry Variant Classification Scheme 2023. Collection method: clinical testing. Allele origin: germline.
Comment: The p.A4G variant (also known as c.11C>G), located in coding exon 1 of the USB1 gene, results from a C to G substitution at nucleotide position 11. The alanine at codon 4 is replaced by glycine, an amino acid with similar properties. This amino acid position is conserved. In addition, this alteration is predicted to be tolerated by in silico analysis. Based on the available evidence, the clinical significance of this variant remains unclear.

NM_024598.4(USB1):c.11C>G (p.Ala4Gly)

Genes: USB1 (U6 snRNA biogenesis phosphodiesterase 1; plus strand), LOC112469011 (Sharpr-MPRA regulatory region 3942; plus strand). Cytogenetic location: 16q21.
Variant type: single nucleotide variant.
Coding change: c.11C>G on transcript NM_024598.4 (MANE Select); coding-DNA position 11, C replaced by G.
Protein change: p.Ala4Gly; replaces alanine 4 with glycine.
Molecular consequence: missense variant. On other transcripts: intron variant (1).
Genome position (GRCh38, 1-based): chr16:58,001,494, C>G. VCF-style: chr16-58001494-C-G. GRCh37 (hg19) VCF-style: chr16-58035398-C-G.
Other names: c.11C>G (NM_024598.3); c.11C>G, p.Ala4Gly (NM_001195302.2, NM_001204911.2, NM_001330569.2); c.-55-985C>G (NM_001330568.2); short protein forms A4G.
Identifiers: ClinVar variation 1422881 (VCV001422881.6), dbSNP rs1339761959, ClinGen allele CA396085097.